The following is an entry in ClinVar:

NM_020376.4(PNPLA2):c.487C>T (p.Arg163Cys)

Gene: PNPLA2 (patatin like domain 2, triacylglycerol lipase; plus strand). Cytogenetic location: 11p15.5.
Variant type: single nucleotide variant.
Coding change: c.487C>T on transcript NM_020376.4 (MANE Select); coding-DNA position 487, C replaced by T.
Protein change: p.Arg163Cys; replaces arginine 163 with cysteine.
Molecular consequence: missense variant.
Genome position (GRCh38, 1-based): chr11:822,397, C>T. VCF-style: chr11-822397-C-T. GRCh37 (hg19) VCF-style: chr11-822397-C-T.
Other names: short protein forms R163C.
Identifiers: ClinVar variation 847358 (VCV000847358.12), dbSNP rs772999318, ClinGen allele CA5791031.

ClinVar aggregate classification (germline): Uncertain significance. Review status: criteria provided, multiple submitters, no conflicts (2 of 4 stars). 4 submissions from 4 submitters: Uncertain significance (4). Last evaluated 2025-10-29.

Conditions:
Neutral lipid storage myopathy (NLSDM). Also called: NEUTRAL LIPID STORAGE DISEASE WITHOUT ICHTHYOSIS. Identifiers: Orphanet 98908, MedGen C1853136, MONDO:0012545, OMIM 610717.
Inborn genetic diseases. Identifiers: MedGen C0950123, MeSH D030342.

Allele frequency attached by ClinVar (database versions not stated): gnomAD below 0.00001 and 0.00003; TOPMed 0.00002; gnomAD exomes 0.00006 and 0.00012; ExAC 0.00012.

Submissions (4):

Ambry Genetics
Classification: Uncertain significance for Inborn genetic diseases. Last evaluated: 2025-10-29. Review status: criteria provided, single submitter. Criteria: Ambry Variant Classification Scheme 2023. Collection method: clinical testing. Allele origin: germline.

Revvity Omics, Revvity
Classification: Uncertain significance for Neutral lipid storage myopathy. Last evaluated: 2024-03-06. Review status: criteria provided, single submitter. Criteria: ACMG Guidelines, 2015. Collection method: clinical testing. Allele origin: germline.

Labcorp Genetics (formerly Invitae), Labcorp
Classification: Uncertain significance for Neutral lipid storage myopathy. Last evaluated: 2022-07-05. Review status: criteria provided, single submitter. Criteria: Invitae Variant Classification Sherloc (09022015). Collection method: clinical testing. Allele origin: germline.
Comment: This sequence change replaces arginine, which is basic and polar, with cysteine, which is neutral and slightly polar, at codon 163 of the PNPLA2 protein (p.Arg163Cys). This variant is present in population databases (rs772999318, gnomAD 0.08%), including at least one homozygous and/or hemizygous individual. This variant has not been reported in the literature in individuals affected with PNPLA2-related conditions. ClinVar contains an entry for this variant (Variation ID: 847358). Algorithms developed to predict the effect of missense changes on protein structure and function (SIFT, PolyPhen-2, Align-GVGD) all suggest that this variant is likely to be disruptive. Algorithms developed to predict the effect of sequence changes on RNA splicing suggest that this variant may disrupt the consensus splice site. In summary, the available evidence is currently insufficient to determine the role of this variant in disease. Therefore, it has been classified as a Variant of Uncertain Significance.

GeneDx
Classification: Uncertain significance. Last evaluated: 2022-01-11. Review status: criteria provided, single submitter. Criteria: GeneDx Variant Classification Process June 2021. Collection method: clinical testing. Allele origin: germline. Affected: yes.
Comment: In silico analysis supports that this missense variant has a deleterious effect on protein structure/function; Has not been previously published as pathogenic or benign to our knowledge